The following is an entry in ClinVar:

ClinVar aggregate classification (germline): Likely benign. Review status: criteria provided, single submitter (1 of 4 stars). 2 submissions from 2 submitters: Likely benign (1). 1 of the submissions does not count toward it. Last evaluated 2024-10-04.

Conditions:
Gnathodiaphyseal dysplasia (GDD). Also called: GNATHODIAPHYSEAL SCLEROSIS; OSTEOGENESIS IMPERFECTA WITH UNUSUAL SKELETAL LESIONS. Identifiers: Orphanet 53697, MedGen C1833736, MONDO:0008151, OMIM 166260.
Autosomal recessive limb-girdle muscular dystrophy type 2L (LGMDR12). Also called: MUSCULAR DYSTROPHY, LIMB-GIRDLE, AUTOSOMAL RECESSIVE 12; Limb-Girdle Muscular Dystrophy R12 Anoctamin-5-Related (LGMD-R12); Limb-girdle muscular dystrophy, type 2L. Identifiers: Orphanet 206549, MedGen C1969785, MONDO:0012652, OMIM 611307.
ANO5-related disorder. Also called: ANO5-related disorders; ANO5-related condition. Identifiers: MedGen CN239193.

gnomAD v4.1: 53 of 1,612,828 alleles (0.0033%); highest among the groups gnomAD compares: Non-Finnish European, 0.0041%; no homozygotes.

Submissions (2):

Labcorp Genetics (formerly Invitae), Labcorp
Classification: Likely benign for Autosomal recessive limb-girdle muscular dystrophy type 2L; Gnathodiaphyseal dysplasia. Last evaluated: 2024-10-04. Review status: criteria provided, single submitter. Criteria: Invitae Variant Classification Sherloc (09022015). Collection method: clinical testing. Allele origin: germline.

PreventionGenetics, part of Exact Sciences
Classification: Likely benign for ANO5-related condition. Last evaluated: 2021-01-11. Review status: no assertion criteria provided. Collection method: clinical testing. Allele origin: germline. Not counted in ClinVar's aggregate classification.
Comment: This variant is classified as likely benign based on ACMG/AMP sequence variant interpretation guidelines (Richards et al. 2015 PMID: 25741868, with internal and published modifications).

NM_213599.3(ANO5):c.966A>G (p.Leu322=)

Gene: ANO5 (anoctamin 5; plus strand). Cytogenetic location: 11p14.3.
Variant type: single nucleotide variant.
Coding change: c.966A>G on transcript NM_213599.3 (MANE Select); coding-DNA position 966, A replaced by G.
Protein change: p.Leu322=; no amino-acid change (leucine 322 retained).
Molecular consequence: synonymous variant.
Genome position (GRCh38, 1-based): chr11:22,250,324, A>G. VCF-style: chr11-22250324-A-G. GRCh37 (hg19) VCF-style: chr11-22271870-A-G.
Other names: c.966A>G (NM_213599.2); c.963A>G, p.Leu321= (NM_001142649.2).
Identifiers: ClinVar variation 1125522 (VCV001125522.14), dbSNP rs7481951, ClinGen allele CA5923080.